The following is an entry in ClinVar:

ClinVar aggregate classification (germline): Uncertain significance (1 of 4 stars; one submission).

Submission:

Labcorp Genetics (formerly Invitae), Labcorp
Classification: Uncertain significance. Last evaluated: 2022-08-18. Review status: criteria provided, single submitter. Criteria: Invitae Variant Classification Sherloc (09022015). Collection method: clinical testing. Allele origin: germline.
Comment: ClinVar contains an entry for this variant (Variation ID: 405890). This variant has not been reported in the literature in individuals affected with POLE-related conditions. This variant is not present in population databases (gnomAD no frequency). This sequence change replaces alanine, which is neutral and non-polar, with threonine, which is neutral and polar, at codon 644 of the POLE protein (p.Ala644Thr). Algorithms developed to predict the effect of missense changes on protein structure and function are either unavailable or do not agree on the potential impact of this missense change (SIFT: "Deleterious"; PolyPhen-2: "Probably Damaging"; Align-GVGD: "Class C0"). In summary, the available evidence is currently insufficient to determine the role of this variant in disease. Therefore, it has been classified as a Variant of Uncertain Significance.

NM_006231.4(POLE):c.1930G>A (p.Ala644Thr)

Gene: POLE (DNA polymerase epsilon, catalytic subunit; minus strand). Cytogenetic location: 12q24.33.
Variant type: single nucleotide variant.
Coding change: c.1930G>A on transcript NM_006231.4 (MANE Select); coding-DNA position 1930, G replaced by A.
Protein change: p.Ala644Thr; replaces alanine 644 with threonine.
Molecular consequence: missense variant.
Genome position (GRCh38, 1-based): chr12:132,668,731, C>T on the plus strand (G>A on the coding strand, the complement: POLE is on the minus strand). VCF-style: chr12-132668731-C-T. GRCh37 (hg19) VCF-style: chr12-133245317-C-T.
Other names: short protein forms A644T.
Identifiers: ClinVar variation 405890 (VCV000405890.8), dbSNP rs1060500885, ClinGen allele CA16613987.